The following is an entry in ClinVar:

NM_000091.5(COL4A3):c.700_701del (p.Leu234fs)

Genes: MFF-DT (MFF divergent transcript; minus strand), COL4A3 (collagen type IV alpha 3 chain; plus strand). Cytogenetic location: 2q36.3.
Variant type: Deletion.
Coding change: c.700_701del on transcript NM_000091.5 (MANE Select); coding-DNA positions 700 to 701, 2 bases deleted (TT; older notation c.700_701delTT).
Protein change: p.Leu234fs; shifts the reading frame from leucine 234.
Molecular consequence: frameshift variant.
Genome position (GRCh38, 1-based): chr2:227,253,573-227,253,574, TT deleted. VCF-style (leftmost placement, unchanged base first): chr2-227253572-GTT-G. GRCh37 (hg19) VCF-style: chr2-228118288-GTT-G.
Other names: short protein forms L234fs.
Identifiers: ClinVar variation 1724324 (VCV001724324.2), dbSNP rs2469563154, ClinGen allele CA2580065954.

ClinVar aggregate classification (germline): Likely pathogenic (1 of 4 stars; one submission).

Conditions:
Autosomal recessive Alport syndrome (ATS2). Also called: COL4A3-Related Nephropathy; COL4A4 Alport Syndrome and Thin Basement Membrane Nephropathy; ALPORT SYNDROME 2, AUTOSOMAL RECESSIVE; Alport syndrome type 2. Identifiers: Orphanet 63, Orphanet 88919, MedGen C4746745, MONDO:0008762, OMIM 203780.

Submission:

Myriad Genetics, Inc.
Classification: Likely pathogenic for Autosomal recessive Alport syndrome. Last evaluated: 2022-02-05. Review status: criteria provided, single submitter. Criteria: Myriad Women's Health Autosomal Recessive and X-Linked Classification Criteria (2021). Collection method: clinical testing. Allele origin: unknown.
Comment: NM_000091.4(COL4A3):c.700_701delTT(L234Nfs*19) is expected to be pathogenic in the context of COL4A3-related Alport syndrome. This variant is predicted to lead to an abnormal or absent protein product due to the creation of a premature termination codon in COL4A3, a gene where loss-of-function variants are known to be pathogenic. Please note: this variant was assessed in the context of healthy population screening.